The following is an entry in ClinVar:

ClinVar aggregate classification (germline): Conflicting classifications of pathogenicity. Review status: criteria provided, conflicting classifications (1 of 4 stars). 9 submissions from 9 submitters: Uncertain significance (6); Likely benign (3). Last evaluated 2025-11-21.

Conditions:
NTRK1-related disorder. Also called: NTRK1-related condition.
Inborn genetic diseases. Identifiers: MedGen C0950123, MeSH D030342.
Hereditary insensitivity to pain with anhidrosis (CIPA). Also called: NTRK1 Congenital Insensitivity to Pain with Anhidrosis; NEUROPATHY, CONGENITAL SENSORY, WITH ANHIDROSIS; INSENSITIVITY TO PAIN, CONGENITAL, WITH ANHIDROSIS; HSAN Type IV; FAMILIAL DYSAUTONOMIA, TYPE II; hereditary sensory and autonomic neuropathy type 4. Identifiers: Orphanet 642, MedGen C0020074, MONDO:0009746, OMIM 256800.

Allele frequency attached by ClinVar (database versions not stated): gnomAD 0.00008 and 0.00009; gnomAD exomes 0.00008 and 0.00019; TOPMed 0.00011; ExAC 0.00012; 1000 Genomes Project 30x 0.00016; 1000 Genomes Project 0.00020.
gnomAD v4.1: 141 of 1,613,486 alleles (0.0087%); highest among the groups gnomAD compares: Admixed American, 0.027%; no homozygotes.

Submissions (9):

Labcorp Genetics (formerly Invitae), Labcorp
Classification: Likely benign for Hereditary insensitivity to pain with anhidrosis. Last evaluated: 2025-11-21. Review status: criteria provided, single submitter. Criteria: Invitae Variant Classification Sherloc (09022015). Collection method: clinical testing. Allele origin: germline.

PreventionGenetics, part of Exact Sciences
Classification: Likely benign for NTRK1-related condition. Last evaluated: 2025-11-17. Review status: criteria provided, single submitter. Criteria: ACMG Guidelines, 2015. Collection method: clinical testing. Allele origin: germline.
Comment: This variant is classified as likely benign based on ACMG/AMP sequence variant interpretation guidelines (Richards et al. 2015 PMID: 25741868, with internal and published modifications).

GeneDx
Classification: Uncertain significance. Last evaluated: 2025-08-26. Review status: criteria provided, single submitter. Criteria: GeneDx Variant Classification Process June 2021. Collection method: clinical testing. Allele origin: germline. Affected: yes.
Comment: In silico analysis suggests that this missense variant does not alter protein structure/function; Has not been previously published as pathogenic or benign to our knowledge

ARUP Laboratories, Molecular Genetics and Genomics, ARUP Laboratories
Classification: Uncertain significance for Hereditary insensitivity to pain with anhidrosis. Last evaluated: 2025-07-01. Review status: criteria provided, single submitter. Criteria: ARUP Molecular Germline Variant Investigation Process 2024. Collection method: clinical testing. Allele origin: germline.
Comment: The NTRK1 c.509T>C; p.Val170Ala variant (rs201503610), to our knowledge, is not reported in the medical literature but is reported in ClinVar (Variation ID: 292877). This variant is found in the general population with an overall allele frequency of 0.017% (48/282,186 alleles) in the Genome Aggregation Database (v2.1.1), with an elevated frequency of 0.33% (34/10,366 alleles) in the Ashkenazi Jewish population. Computational analyses are uncertain whether this variant is neutral or deleterious (REVEL: 0.433). Due to limited information, the clinical significance of this variant is uncertain at this time.

Mayo Clinic Laboratories, Mayo Clinic
Classification: Uncertain significance. Last evaluated: 2024-12-24. Review status: criteria provided, single submitter. Criteria: ACMG Guidelines, 2015. Collection method: clinical testing. Allele origin: germline. Observed: 1 variant allele.

Ambry Genetics
Classification: Likely benign for Inborn genetic diseases. Last evaluated: 2022-03-25. Review status: criteria provided, single submitter. Criteria: Ambry Variant Classification Scheme 2023. Collection method: clinical testing. Allele origin: germline.

Mendelics
Classification: Uncertain significance for Hereditary insensitivity to pain with anhidrosis. Last evaluated: 2019-05-28. Review status: criteria provided, single submitter. Criteria: Mendelics Assertion Criteria 2017. Collection method: clinical testing. Allele origin: unknown.

Illumina Laboratory Services, Illumina
Classification: Uncertain significance for Hereditary insensitivity to pain with anhidrosis. Last evaluated: 2018-01-12. Review status: criteria provided, single submitter. Criteria: ICSL Variant Classification Criteria 13 December 2019. Collection method: clinical testing. Allele origin: germline.

Eurofins Ntd Llc (ga)
Classification: Uncertain significance. Last evaluated: 2017-05-26. Review status: criteria provided, single submitter. Criteria: EGL Classification Definitions 2015. Collection method: clinical testing. Allele origin: germline. Observed: 1 variant allele, 1 heterozygote.

Literature cited by the submitters: PubMed 32807182 (cited by Mayo Clinic Laboratories, Mayo Clinic).

NM_002529.4(NTRK1):c.509T>C (p.Val170Ala)

Gene: NTRK1 (neurotrophic receptor tyrosine kinase 1; plus strand). Cytogenetic location: 1q23.1.
Variant type: single nucleotide variant.
Coding change: c.509T>C on transcript NM_002529.4 (MANE Select); coding-DNA position 509, T replaced by C.
Protein change: p.Val170Ala; replaces valine 170 with alanine.
Molecular consequence: missense variant.
Genome position (GRCh38, 1-based): chr1:156,868,184, T>C. VCF-style: chr1-156868184-T-C. GRCh37 (hg19) VCF-style: chr1-156837976-T-C.
Other names: p.Val170Ala; c.509T>C (NM_002529.3); c.419T>C, p.Val140Ala (NM_001007792.1); c.509T>C, p.Val170Ala (NM_001012331.2); short protein forms V140A, V170A.
Identifiers: ClinVar variation 292877 (VCV000292877.29), dbSNP rs201503610, ClinGen allele CA1169004.
Genomic context (GRCh38, chr1:156,868,184, plus strand): 5'-TGCACTGTTCTTGTGCCCTGCGCTGGCTACAGCGCTGGGAGGAGGAGGGACTGGGCGGAG[T>C]GCCTGAACAGAAGCTGCAGTGTCATGGGCAAGGGCCCCTGGCCCACATGCCCAATGCCAG-3'
Protein context (NP_002520.2, residues 160-180): QRWEEEGLGG[Val170Ala]PEQKLQCHGQ